The following is an entry in ClinVar:

ClinVar aggregate classification (germline): Uncertain significance (1 of 4 stars; one submission).

gnomAD v4.1: 1 of 1,614,142 alleles (0.000062%); highest among the groups gnomAD compares: Non-Finnish European, 0.000085%; no homozygotes.

Submission:

Ambry Genetics
Classification: Uncertain significance. Last evaluated: 2025-01-31. Review status: criteria provided, single submitter. Criteria: Ambry Variant Classification Scheme 2023. Collection method: clinical testing. Allele origin: germline.
Comment: The p.L610F variant (also known as c.1828C>T), located in coding exon 9 of the ATRIP gene, results from a C to T substitution at nucleotide position 1828. The leucine at codon 610 is replaced by phenylalanine, an amino acid with highly similar properties. This amino acid position is conserved. In addition, the in silico prediction for this alteration is inconclusive. Based on the available evidence, the clinical significance of this variant remains unclear.

NM_130384.3(ATRIP):c.1828C>T (p.Leu610Phe)

Genes: ATRIP (ATR interacting protein; plus strand), ATRIP-TREX1 (ATRIP-TREX1 readthrough; plus strand). Cytogenetic location: 3p21.31.
Variant type: single nucleotide variant.
Coding change: c.1828C>T on transcript NM_130384.3 (MANE Select); coding-DNA position 1828, C replaced by T.
Protein change: p.Leu610Phe; replaces leucine 610 with phenylalanine.
Molecular consequence: missense variant. On other transcripts: non-coding transcript variant (1).
Genome position (GRCh38, 1-based): chr3:48,463,827, C>T. VCF-style: chr3-48463827-C-T. GRCh37 (hg19) VCF-style: chr3-48505226-C-T.
Other names: c.1447C>T, p.Leu483Phe (NM_001271022.2); c.1549C>T, p.Leu517Phe (NM_001271023.2); c.1828C>T, p.Leu610Phe (NM_032166.4); short protein forms L483F, L517F, L610F.
Identifiers: ClinVar variation 3810220 (VCV003810220.1).
Genomic context (GRCh38, chr3:48,463,827, plus strand): 5'-CTGCCAAAGTGCCTCAGCCCAGAGACACCCCTGCCTAGCGTGCTGCTGGCTGTTGAGCTC[C>T]TCTCCCTGCTGGCGGACCACGACCAGCTGGCACCTCAGCTCTGTTCCCACTCAGGTAAAG-3'
Protein context (NP_569055.1, residues 600-620): LPSVLLAVEL[Leu610Phe]SLLADHDQLA